The following is an entry in ClinVar:

ClinVar aggregate classification (germline): Pathogenic (1 of 4 stars; one submission).

Conditions:
Early-infantile DEE. Also called: Early infantile epileptic encephalopathy with suppression bursts; Early infantile epileptic encephalopathy; Ohtahara syndrome. Identifiers: Orphanet 1934, MedGen C0393706, MONDO:0800491.

Submission:

Labcorp Genetics (formerly Invitae), Labcorp
Classification: Pathogenic for Early-infantile DEE. Last evaluated: 2022-11-14. Review status: criteria provided, single submitter. Criteria: Invitae Variant Classification Sherloc (09022015). Collection method: clinical testing. Allele origin: germline.
Comment: This sequence change replaces phenylalanine, which is neutral and non-polar, with valine, which is neutral and non-polar, at codon 412 of the SCN1A protein (p.Phe412Val). This variant is not present in population databases (gnomAD no frequency). This missense change has been observed in individual(s) with seizures (Invitae). In at least one individual the variant was observed to be de novo. Advanced modeling of protein sequence and biophysical properties (such as structural, functional, and spatial information, amino acid conservation, physicochemical variation, residue mobility, and thermodynamic stability) performed at Invitae indicates that this missense variant is expected to disrupt SCN1A protein function. Algorithms developed to predict the effect of sequence changes on RNA splicing suggest that this variant may create or strengthen a splice site. For these reasons, this variant has been classified as Pathogenic.

NM_001165963.4(SCN1A):c.1234T>G (p.Phe412Val)

Gene: SCN1A (sodium voltage-gated channel alpha subunit 1; minus strand). Cytogenetic location: 2q24.3.
Variant type: single nucleotide variant.
Coding change: c.1234T>G on transcript NM_001165963.4 (MANE Select); coding-DNA position 1234, T replaced by G.
Protein change: p.Phe412Val; replaces phenylalanine 412 with valine.
Molecular consequence: missense variant. On other transcripts: 5 prime UTR variant (1), non-coding transcript variant (1).
Genome position (GRCh38, 1-based): chr2:166,046,913, A>C on the plus strand (T>G on the coding strand, the complement: SCN1A is on the minus strand). VCF-style: chr2-166046913-A-C. GRCh37 (hg19) VCF-style: chr2-166903423-A-C.
Other names: c.1234T>G, p.Phe412Val (NM_001353948.2, NM_001353949.2, NM_001353950.2 and 10 more transcripts); c.-1192T>G (NM_001353961.2); short protein forms F412V.
Identifiers: ClinVar variation 1721755 (VCV001721755.5), dbSNP rs2468181816, ClinGen allele CA349070920.